The following is an entry in ClinVar:

ClinVar aggregate classification (germline): Uncertain significance. Review status: criteria provided, multiple submitters, no conflicts (2 of 4 stars). 2 submissions from 2 submitters: Uncertain significance (2). Last evaluated 2026-01-14.

Submissions (2):

Labcorp Genetics (formerly Invitae), Labcorp
Classification: Uncertain significance. Last evaluated: 2026-01-14. Review status: criteria provided, single submitter. Criteria: Invitae Variant Classification Sherloc (09022015). Collection method: clinical testing. Allele origin: germline.
Comment: This variant, c.416_424del, results in the deletion of 3 amino acid(s) of the PLG protein (p.Pro139_Thr141del), but otherwise preserves the integrity of the reading frame. This variant is present in population databases (rs781564938, gnomAD 0.005%). This variant has not been reported in the literature in individuals affected with PLG-related conditions. ClinVar contains an entry for this variant (Variation ID: 2698023). Experimental studies and prediction algorithms are not available or were not evaluated, and the functional significance of this variant is currently unknown. In summary, the available evidence is currently insufficient to determine the role of this variant in disease. Therefore, it has been classified as a Variant of Uncertain Significance.

Blueprint Genetics
Classification: Uncertain significance. Last evaluated: 2024-08-22. Review status: criteria provided, single submitter. Criteria: ACMG Guidelines, 2015. Collection method: clinical testing. Allele origin: germline.

NM_000301.5(PLG):c.416_424del (p.Pro139_Thr141del)

Gene: PLG (plasminogen; plus strand). Cytogenetic location: 6q26.
Variant type: Deletion.
Coding change: c.416_424del on transcript NM_000301.5 (MANE Select); coding-DNA positions 416 to 424, 9 bases deleted (CTGCTACAC; older notation c.416_424delCTGCTACAC).
Protein change: p.Pro139_Thr141del.
Molecular consequence: inframe deletion.
Genome position (GRCh38, 1-based): chr6:160,712,994-160,713,002, CTGCTACAC deleted; deleting any 9 consecutive bases within chr6:160,712,991-160,713,002 gives the same sequence; the c. name uses the placement nearest the transcript's 3' end. VCF-style (leftmost placement, unchanged base first): chr6-160712990-TCACCTGCTA-T. GRCh37 (hg19) VCF-style: chr6-161134022-TCACCTGCTA-T.
Identifiers: ClinVar variation 2698023 (VCV002698023.4), dbSNP rs781564938, ClinGen allele CA4087435.